The following is an entry in ClinVar:

ClinVar aggregate classification (germline): Pathogenic (1 of 4 stars; one submission).

Conditions:
Pontocerebellar hypoplasia type 1A (PCH1A). Also called: PONTOCEREBELLAR HYPOPLASIA WITH ANTERIOR HORN CELL DISEASE; PONTOCEREBELLAR HYPOPLASIA WITH INFANTILE SPINAL MUSCULAR ATROPHY. Identifiers: Orphanet 2254, Orphanet 88616, MedGen C1843504, MONDO:0011866, OMIM 607596.

Submission:

Myriad Genetics, Inc.
Classification: Pathogenic for Pontocerebellar hypoplasia type 1A. Last evaluated: 2026-05-05. Review status: criteria provided, single submitter. Criteria: Myriad Autosomal Dominant, Autosomal Recessive and X-Linked Classification Criteria (2023). Collection method: clinical testing. Allele origin: unknown.
Comment: NM_003384.2(VRK1):c.814dupA(R272Kfs*6) is expected to be pathogenic in the context of pontocerebellar hypoplasia, VRK1-related. This variant is predicted to lead to an abnormal or absent protein product due to the creation of a premature termination codon in VRK1, a gene where loss-of-function variants are known to be pathogenic. Please note: this variant was assessed in the context of healthy population screening.

NM_003384.3(VRK1):c.814dup (p.Arg272fs)

Gene: VRK1 (VRK serine/threonine kinase 1; plus strand). Cytogenetic location: 14q32.2.
Variant type: Duplication.
Coding change: c.814dup on transcript NM_003384.3 (MANE Select); coding-DNA position 814, one base duplicated (A; older notation c.814dupA).
Protein change: p.Arg272fs; shifts the reading frame from arginine 272.
Molecular consequence: frameshift variant.
Genome position (GRCh38, 1-based): chr14:96,856,234, A duplicated. VCF-style (leftmost placement, unchanged base first): chr14-96856233-T-TA. GRCh37 (hg19) VCF-style: chr14-97322570-T-TA.
Other names: c.814dup, p.Arg272fs (NM_001411051.1, NM_001411053.1); short protein forms R272fs.
Identifiers: ClinVar variation 5015878 (VCV005015878.1).